The following is an entry in ClinVar:

ClinVar aggregate classification (germline): Uncertain significance. Review status: criteria provided, multiple submitters, no conflicts (2 of 4 stars). 3 submissions from 3 submitters: Uncertain significance (3). Last evaluated 2022-11-02.

Conditions:
Neuroblastoma, susceptibility to, 3. Also called: ALK-Related Neuroblastic Tumor Susceptibility. Identifiers: Orphanet 635, MedGen C2751681, MONDO:0013083, OMIM 613014.
Hereditary cancer-predisposing syndrome. Also called: Neoplastic Syndromes, Hereditary; Hereditary Cancer Syndrome; Hereditary neoplastic syndrome; Tumor predisposition. Identifiers: Orphanet 140162, MedGen C0027672, MeSH D009386, MONDO:0015356.

Allele frequency attached by ClinVar (database versions not stated): gnomAD exomes below 0.00001; ExAC 0.00001.
gnomAD v4.1: 2 of 1,613,114 alleles (0.00012%); highest among the groups gnomAD compares: South Asian, 0.0022%; no homozygotes.

Submissions (3):

Revvity Omics, Revvity
Classification: Uncertain significance. Last evaluated: 2022-11-02. Review status: criteria provided, single submitter. Criteria: ACMG Guidelines, 2015. Collection method: clinical testing. Allele origin: germline.

Ambry Genetics
Classification: Uncertain significance for Hereditary cancer-predisposing syndrome. Last evaluated: 2022-02-13. Review status: criteria provided, single submitter. Criteria: Ambry Variant Classification Scheme 2023. Collection method: clinical testing. Allele origin: germline.
Comment: The p.V1465L variant (also known as c.4393G>C), located in coding exon 29 of the ALK gene, results from a G to C substitution at nucleotide position 4393. The valine at codon 1465 is replaced by leucine, an amino acid with highly similar properties. This amino acid position is conserved. In addition, this alteration is predicted to be tolerated by in silico analysis. Since supporting evidence is limited at this time, the clinical significance of this alteration remains unclear.

Labcorp Genetics (formerly Invitae), Labcorp
Classification: Uncertain significance for Neuroblastoma, susceptibility to, 3. Last evaluated: 2018-10-16. Review status: criteria provided, single submitter. Criteria: Invitae Variant Classification Sherloc (09022015). Collection method: clinical testing. Allele origin: germline.
Comment: In summary, the available evidence is currently insufficient to determine the role of this variant in disease. Therefore, it has been classified as a Variant of Uncertain Significance. Algorithms developed to predict the effect of missense changes on protein structure and function (SIFT, PolyPhen-2, Align-GVGD) all suggest that this variant is likely to be tolerated, but these predictions have not been confirmed by published functional studies and their clinical significance is uncertain. This variant has not been reported in the literature in individuals with ALK-related disease. This variant is present in population databases (rs769128867, ExAC 0.006%). This sequence change replaces valine with leucine at codon 1465 of the ALK protein (p.Val1465Leu). The valine residue is moderately conserved and there is a small physicochemical difference between valine and leucine.

NM_004304.5(ALK):c.4393G>C (p.Val1465Leu)

Gene: ALK (ALK receptor tyrosine kinase; minus strand). Cytogenetic location: 2p23.2.
Variant type: single nucleotide variant.
Coding change: c.4393G>C on transcript NM_004304.5 (MANE Select); coding-DNA position 4393, G replaced by C.
Protein change: p.Val1465Leu; replaces valine 1465 with leucine.
Molecular consequence: missense variant.
Genome position (GRCh38, 1-based): chr2:29,193,694, C>G on the plus strand (G>C on the coding strand, the complement: ALK is on the minus strand). VCF-style: chr2-29193694-C-G. GRCh37 (hg19) VCF-style: chr2-29416560-C-G.
Other names: c.1189G>C, p.Val397Leu (NM_001353765.2); short protein forms V397L, V1465L.
Identifiers: ClinVar variation 644006 (VCV000644006.13), dbSNP rs769128867, ClinGen allele CA1593582.